The following is an entry in ClinVar:

ClinVar aggregate classification (germline): Conflicting classifications of pathogenicity. Review status: criteria provided, conflicting classifications (1 of 4 stars). 2 submissions from 2 submitters: Uncertain significance (1); Likely benign (1). Last evaluated 2025-09-28.

Conditions:
Inborn genetic diseases. Identifiers: MedGen C0950123, MeSH D030342.

Allele frequency attached by ClinVar (database versions not stated): ExAC 0.00001; TOPMed 0.00001; gnomAD 0.00003; gnomAD exomes 0.00004; 1000 Genomes Project 0.00020; 1000 Genomes Project 30x 0.00031.
gnomAD v4.1: 57 of 1,611,712 alleles (0.0035%); highest among the groups gnomAD compares: African/African-American, 0.0053%; no homozygotes.

Submissions (2):

Ambry Genetics
Classification: Likely benign for Inborn genetic diseases. Last evaluated: 2025-09-28. Review status: criteria provided, single submitter. Criteria: Ambry Variant Classification Scheme 2023. Collection method: clinical testing. Allele origin: germline.

Labcorp Genetics (formerly Invitae), Labcorp
Classification: Uncertain significance. Last evaluated: 2025-07-03. Review status: criteria provided, single submitter. Criteria: Invitae Variant Classification Sherloc (09022015). Collection method: clinical testing. Allele origin: germline.
Comment: This sequence change replaces glycine, which is neutral and non-polar, with serine, which is neutral and polar, at codon 1110 of the LAMA1 protein (p.Gly1110Ser). This variant is present in population databases (rs529260934, gnomAD 0.008%). This variant has not been reported in the literature in individuals affected with LAMA1-related conditions. ClinVar contains an entry for this variant (Variation ID: 2415536). Invitae Evidence Modeling of protein sequence and biophysical properties (such as structural, functional, and spatial information, amino acid conservation, physicochemical variation, residue mobility, and thermodynamic stability) indicates that this missense variant is not expected to disrupt LAMA1 protein function with a negative predictive value of 80%. In summary, the available evidence is currently insufficient to determine the role of this variant in disease. Therefore, it has been classified as a Variant of Uncertain Significance.

NM_005559.4(LAMA1):c.3328G>A (p.Gly1110Ser)

Gene: LAMA1 (laminin subunit alpha 1; minus strand). Cytogenetic location: 18p11.31.
Variant type: single nucleotide variant.
Coding change: c.3328G>A on transcript NM_005559.4 (MANE Select); coding-DNA position 3328, G replaced by A.
Protein change: p.Gly1110Ser; replaces glycine 1110 with serine.
Molecular consequence: missense variant.
Genome position (GRCh38, 1-based): chr18:7,013,850, C>T on the plus strand (G>A on the coding strand, the complement: LAMA1 is on the minus strand). VCF-style: chr18-7013850-C-T. GRCh37 (hg19) VCF-style: chr18-7013849-C-T.
Other names: c.3328G>A (NM_005559.3); short protein forms G1110S.
Identifiers: ClinVar variation 2415536 (VCV002415536.5), dbSNP rs529260934, ClinGen allele CA8882329.